The following is an entry in ClinVar:

NM_177438.3(DICER1):c.3197C>T (p.Thr1066Ile)

Gene: DICER1 (dicer 1, ribonuclease III; minus strand). Cytogenetic location: 14q32.13.
Variant type: single nucleotide variant.
Coding change: c.3197C>T on transcript NM_177438.3 (MANE Select); coding-DNA position 3197, C replaced by T.
Protein change: p.Thr1066Ile; replaces threonine 1066 with isoleucine.
Molecular consequence: missense variant.
Genome position (GRCh38, 1-based): chr14:95,105,143, G>A on the plus strand (C>T on the coding strand, the complement: DICER1 is on the minus strand). VCF-style: chr14-95105143-G-A. GRCh37 (hg19) VCF-style: chr14-95571480-G-A.
Other names: c.3197C>T, p.Thr1066Ile (NM_001195573.1, NM_001271282.3, NM_001291628.2 and 1 more transcripts); short protein forms T1066I.
Identifiers: ClinVar variation 823146 (VCV000823146.14), dbSNP rs1313061695, ClinGen allele CA390876554.

ClinVar aggregate classification (germline): Uncertain significance. Review status: criteria provided, multiple submitters, no conflicts (2 of 4 stars). 2 submissions from 2 submitters: Uncertain significance (2). Last evaluated 2025-11-10.

Conditions:
DICER1-related tumor predisposition. Also called: DICER1-related pleuropulmonary blastoma cancer predisposition syndrome; DICER1 syndrome. Identifiers: Orphanet 284343, MedGen C3839822, MONDO:0100216.
Hereditary cancer-predisposing syndrome. Also called: Hereditary Cancer Syndrome; Neoplastic Syndromes, Hereditary; Hereditary neoplastic syndrome; Tumor predisposition. Identifiers: Orphanet 140162, MedGen C0027672, MeSH D009386, MONDO:0015356.

Allele frequency attached by ClinVar (database versions not stated): gnomAD 0.00003.

Submissions (2):

Labcorp Genetics (formerly Invitae), Labcorp
Classification: Uncertain significance for DICER1-related tumor predisposition. Last evaluated: 2025-11-10. Review status: criteria provided, single submitter. Criteria: Invitae Variant Classification Sherloc (09022015). Collection method: clinical testing. Allele origin: germline.
Comment: This sequence change replaces threonine, which is neutral and polar, with isoleucine, which is neutral and non-polar, at codon 1066 of the DICER1 protein (p.Thr1066Ile). This variant is present in population databases (no rsID available, gnomAD 0.007%). This variant has not been reported in the literature in individuals affected with DICER1-related conditions. ClinVar contains an entry for this variant (Variation ID: 823146). Invitae Evidence Modeling of protein sequence and biophysical properties (such as structural, functional, and spatial information, amino acid conservation, physicochemical variation, residue mobility, and thermodynamic stability) indicates that this missense variant is not expected to disrupt DICER1 protein function with a negative predictive value of 95%. RNA analysis performed to evaluate the impact of this missense change on mRNA splicing indicates it does not significantly alter splicing (internal data). In summary, the available evidence is currently insufficient to determine the role of this variant in disease. Therefore, it has been classified as a Variant of Uncertain Significance.

Ambry Genetics
Classification: Uncertain significance for Hereditary cancer-predisposing syndrome. Last evaluated: 2024-06-21. Review status: criteria provided, single submitter. Criteria: Ambry Variant Classification Scheme 2023. Collection method: clinical testing. Allele origin: germline.
Comment: The p.T1066I variant (also known as c.3197C>T), located in coding exon 19 of the DICER1 gene, results from a C to T substitution at nucleotide position 3197. The threonine at codon 1066 is replaced by isoleucine, an amino acid with similar properties. This amino acid position is highly conserved in available vertebrate species. In addition, the in silico prediction for this alteration is inconclusive. Since supporting evidence is limited at this time, the clinical significance of this alteration remains unclear.